The following is an entry in ClinVar:

NM_000038.6(APC):c.3510dup (p.Arg1171fs)

Gene: APC (APC regulator of Wnt signaling pathway; plus strand). Cytogenetic location: 5q22.2.
Variant type: Duplication.
Coding change: c.3510dup on transcript NM_000038.6 (MANE Select); coding-DNA position 3510, one base duplicated (A; older notation c.3510dupA).
Protein change: p.Arg1171fs; shifts the reading frame from arginine 1171.
Molecular consequence: frameshift variant. On other transcripts: non-coding transcript variant (2).
Genome position (GRCh38, 1-based): chr5:112,839,104, A duplicated; the last of 3 consecutive A bases (chr5:112,839,102-112,839,104); duplicating any one gives the same sequence. VCF-style (leftmost placement, unchanged base first): chr5-112839101-G-GA. GRCh37 (hg19) VCF-style: chr5-112174798-G-GA.
Other names: c.3510dup, p.Arg1171fs (NM_001127510.3, NM_001354895.2, NM_001407450.1); c.3456dup, p.Arg1153fs (NM_001127511.3); c.3564dup, p.Arg1189fs (NM_001354896.2, NM_001407447.1, NM_001407448.1 and 1 more transcripts); c.3540dup, p.Arg1181fs (NM_001354897.2); c.3435dup, p.Arg1146fs (NM_001354898.2); c.3426dup, p.Arg1143fs (NM_001354899.2); c.3387dup, p.Arg1130fs (NM_001354900.2); c.3333dup, p.Arg1112fs (NM_001354901.2, NM_001407453.1); and 11 more; short protein forms R1011fs, R1042fs, R1045fs, R1070fs, R1080fs, R1088fs, R1112fs, R1130fs.
Identifiers: ClinVar variation 2584232 (VCV002584232.1), dbSNP rs2533504080, ClinGen allele CA2582341517.

ClinVar aggregate classification (germline): Pathogenic (1 of 4 stars; one submission).

Conditions:
Familial adenomatous polyposis 1 (FAP1). Also called: FAMILIAL ADENOMATOUS POLYPOSIS 1, ATTENUATED; POLYPOSIS, ADENOMATOUS INTESTINAL. Identifiers: MedGen C2713442, MONDO:0021056, OMIM 175100. Disease mechanism: loss of function.

Submission:

Myriad Genetics, Inc.
Classification: Pathogenic for Familial adenomatous polyposis 1. Last evaluated: 2023-05-08. Review status: criteria provided, single submitter. Criteria: Myriad Autosomal Dominant, Autosomal Recessive and X-Linked Classification Criteria (2023). Collection method: clinical testing. Allele origin: unknown.
Comment: This variant is considered pathogenic. This variant creates a frameshift predicted to result in premature protein truncation.